The following is an entry in ClinVar:

ClinVar aggregate classification (germline): Uncertain significance (1 of 4 stars; one submission).

gnomAD v4.1: 7 of 1,613,510 alleles (0.00043%); highest among the groups gnomAD compares: African/African-American, 0.004%; no homozygotes.

Submission:

Ambry Genetics
Classification: Uncertain significance. Last evaluated: 2026-07-01. Review status: criteria provided, single submitter. Criteria: Ambry Variant Classification Scheme 2023. Collection method: clinical testing. Allele origin: germline.
Comment: The p.L3220I variant (also known as c.9658C>A), located in coding exon 61 of the LRP1B gene, results from a C to A substitution at nucleotide position 9658. The leucine at codon 3220 is replaced by isoleucine, an amino acid with highly similar properties. This amino acid position is conserved. In addition, the in silico prediction for this alteration is inconclusive. Based on the available evidence, the clinical significance of this variant remains unclear.

NM_018557.3(LRP1B):c.9658C>A (p.Leu3220Ile)

Gene: LRP1B (LDL receptor related protein 1B; minus strand). Cytogenetic location: 2q22.1.
Variant type: single nucleotide variant.
Coding change: c.9658C>A on transcript NM_018557.3 (MANE Select); coding-DNA position 9658, C replaced by A.
Protein change: p.Leu3220Ile; replaces leucine 3220 with isoleucine.
Molecular consequence: missense variant.
Genome position (GRCh38, 1-based): chr2:140,457,619, G>T on the plus strand (C>A on the coding strand, the complement: LRP1B is on the minus strand). VCF-style: chr2-140457619-G-T. GRCh37 (hg19) VCF-style: chr2-141215188-G-T.
Other names: short protein forms L3220I.
Identifiers: ClinVar variation 5023663 (VCV005023663.1).